The following is an entry in ClinVar:

NM_139318.5(KCNH5):c.1885A>G (p.Asn629Asp)

Gene: KCNH5 (potassium voltage-gated channel subfamily H member 5; minus strand). Cytogenetic location: 14q23.2.
Variant type: single nucleotide variant.
Coding change: c.1885A>G on transcript NM_139318.5 (MANE Select); coding-DNA position 1885, A replaced by G.
Protein change: p.Asn629Asp; replaces asparagine 629 with aspartic acid.
Molecular consequence: missense variant. On other transcripts: intron variant (1).
Genome position (GRCh38, 1-based): chr14:62,779,862, T>C on the plus strand (A>G on the coding strand, the complement: KCNH5 is on the minus strand). VCF-style: chr14-62779862-T-C. GRCh37 (hg19) VCF-style: chr14-63246580-T-C.
Other names: c.1822+22467A>G (NM_172375.3); short protein forms N629D.
Identifiers: ClinVar variation 1970840 (VCV001970840.5), dbSNP rs2502755414, ClinGen allele CA390099291.

ClinVar aggregate classification (germline): Uncertain significance (1 of 4 stars; one submission).

Conditions:
Early-infantile DEE. Also called: Early infantile epileptic encephalopathy; Ohtahara syndrome; Early infantile epileptic encephalopathy with suppression bursts. Identifiers: Orphanet 1934, MedGen C0393706, MONDO:0800491.

Allele frequency attached by ClinVar (database versions not stated): gnomAD exomes below 0.00001.
gnomAD v4.1: 1 of 1,613,682 alleles (0.000062%); highest among the groups gnomAD compares: Non-Finnish European, 0.000085%; no homozygotes.

Submission:

Labcorp Genetics (formerly Invitae), Labcorp
Classification: Uncertain significance for Early-infantile DEE. Last evaluated: 2023-07-10. Review status: criteria provided, single submitter. Criteria: Invitae Variant Classification Sherloc (09022015). Collection method: clinical testing. Allele origin: germline.
Comment: ClinVar contains an entry for this variant (Variation ID: 1970840). In summary, the available evidence is currently insufficient to determine the role of this variant in disease. Therefore, it has been classified as a Variant of Uncertain Significance. Advanced modeling of protein sequence and biophysical properties (such as structural, functional, and spatial information, amino acid conservation, physicochemical variation, residue mobility, and thermodynamic stability) performed at Invitae indicates that this missense variant is not expected to disrupt KCNH5 protein function. This variant has not been reported in the literature in individuals affected with KCNH5-related conditions. This variant is not present in population databases (gnomAD no frequency). This sequence change replaces asparagine, which is neutral and polar, with aspartic acid, which is acidic and polar, at codon 629 of the KCNH5 protein (p.Asn629Asp).